The following is an entry in ClinVar:

ClinVar aggregate classification (germline): Uncertain significance (1 of 4 stars; one submission).

Conditions:
Cardiovascular phenotype. Identifiers: MedGen CN230736.

Allele frequency attached by ClinVar (database versions not stated): TOPMed below 0.00001.

Submission:

Ambry Genetics
Classification: Uncertain significance for Cardiovascular phenotype. Last evaluated: 2020-05-26. Review status: criteria provided, single submitter. Criteria: Ambry Variant Classification Scheme 2023. Collection method: clinical testing. Allele origin: germline.
Comment: The p.H2223R variant (also known as c.6668A>G), located in coding exon 18 of the TNXB gene, results from an A to G substitution at nucleotide position 6668. The histidine at codon 2223 is replaced by arginine, an amino acid with highly similar properties. This amino acid position is well conserved in available vertebrate species; however, arginine is the reference amino acid in other vertebrate species. In addition, this alteration is predicted to be tolerated by in silico analysis. Since supporting evidence is limited at this time, the clinical significance of this alteration remains unclear.

NM_001365276.2(TNXB):c.6668A>G (p.His2223Arg)

Gene: TNXB (tenascin XB; minus strand). Cytogenetic location: 6p21.33.
Variant type: single nucleotide variant.
Coding change: c.6668A>G on transcript NM_001365276.2 (MANE Select); coding-DNA position 6668, A replaced by G.
Protein change: p.His2223Arg; replaces histidine 2223 with arginine.
Molecular consequence: missense variant.
Genome position (GRCh38, 1-based): chr6:32,064,994, T>C on the plus strand (A>G on the coding strand, the complement: TNXB is on the minus strand). VCF-style: chr6-32064994-T-C. GRCh37 (hg19) VCF-style: chr6-32032771-T-C.
Other names: c.6668A>G, p.His2223Arg (NM_019105.8); short protein forms H2223R.
Identifiers: ClinVar variation 1754759 (VCV001754759.2), dbSNP rs934260225, ClinGen allele CA136884237.